The following is an entry in ClinVar:

ClinVar aggregate classification (germline): Pathogenic (1 of 4 stars; one submission).

Submission:

Labcorp Genetics (formerly Invitae), Labcorp
Classification: Pathogenic. Last evaluated: 2022-08-10. Review status: criteria provided, single submitter. Criteria: Invitae Variant Classification Sherloc (09022015). Collection method: clinical testing. Allele origin: germline.
Comment: ClinVar contains an entry for this variant (Variation ID: 1451943). This variant has not been reported in the literature in individuals affected with KCNV2-related conditions. This variant is not present in population databases (gnomAD no frequency). This sequence change creates a premature translational stop signal (p.Asp297Serfs*21) in the KCNV2 gene. It is expected to result in an absent or disrupted protein product. Loss-of-function variants in KCNV2 are known to be pathogenic (PMID: 16909397, 18235024). For these reasons, this variant has been classified as Pathogenic.

Literature cited by the submitters: PubMed 16909397; PubMed 18235024.

NM_133497.4(KCNV2):c.889_901del (p.Asp297fs)

Gene: KCNV2 (potassium voltage-gated channel modifier subfamily V member 2; plus strand). Cytogenetic location: 9p24.2.
Variant type: Deletion.
Coding change: c.889_901del on transcript NM_133497.4 (MANE Select); coding-DNA positions 889 to 901, 13 bases deleted (GACCTGCGGCCCA).
Protein change: p.Asp297fs; shifts the reading frame from aspartic acid 297.
Molecular consequence: frameshift variant.
Genome position (GRCh38, 1-based): chr9:2,718,628-2,718,640, GACCTGCGGCCCA deleted; deleting any 13 consecutive bases within chr9:2,718,620-2,718,640 gives the same sequence; the c. name uses the placement nearest the transcript's 3' end. VCF-style (leftmost placement, unchanged base first): chr9-2718619-GGCGGCCCAGACCT-G. GRCh37 (hg19) VCF-style: chr9-2718619-GGCGGCCCAGACCT-G.
Other names: short protein forms D297fs.
Identifiers: ClinVar variation 1451943 (VCV001451943.6), dbSNP rs1563795658, ClinGen allele CA2573144441.
Genomic context (GRCh38, chr9:2,718,619, plus strand): 5'-GTGGTGGCGCTGGCGCTCAACACCGTGGAGGAGATGCAGCAGCACTCGGGGCAGGGCGAG[GGCGGCCCAGACCT>G]GCGGCCCATCCTGGAGCACGTGGAGATGCTGTGCATGGGCTTCTTCACGCTCGAGTACCT-3'